The following is an entry in ClinVar:

ClinVar aggregate classification (germline): Uncertain significance. Review status: criteria provided, multiple submitters, no conflicts (2 of 4 stars). 5 submissions from 5 submitters: Uncertain significance (4). 1 of the submissions does not count toward it. Last evaluated 2026-01-13.

Conditions:
Hereditary cancer-predisposing syndrome. Also called: Hereditary neoplastic syndrome; Tumor predisposition; Neoplastic Syndromes, Hereditary; Hereditary Cancer Syndrome. Identifiers: Orphanet 140162, MedGen C0027672, MeSH D009386, MONDO:0015356.
Bloom syndrome (BLM). Also called: Bloom-Torre-Machacek syndrome. Identifiers: Orphanet 125, MedGen C0005859, MONDO:0008876, OMIM 210900.

Allele frequency attached by ClinVar (database versions not stated): TOPMed 0.00003; gnomAD 0.00004; ESP Exome Variant Server 0.00008.
gnomAD v4.1: 32 of 1,614,044 alleles (0.002%); highest among the groups gnomAD compares: Non-Finnish European, 0.0025%; no homozygotes.

Submissions (5):

Labcorp Genetics (formerly Invitae), Labcorp
Classification: Uncertain significance for Bloom syndrome. Last evaluated: 2026-01-13. Review status: criteria provided, single submitter. Criteria: Invitae Variant Classification Sherloc (09022015). Collection method: clinical testing. Allele origin: germline.
Comment: This sequence change replaces proline, which is neutral and non-polar, with leucine, which is neutral and non-polar, at codon 1291 of the BLM protein (p.Pro1291Leu). This variant is present in population databases (rs373003917, gnomAD 0.003%). This variant has not been reported in the literature in individuals affected with BLM-related conditions. ClinVar contains an entry for this variant (Variation ID: 524790). An algorithm developed to predict the effect of missense changes on protein structure and function (PolyPhen-2) suggests that this variant is likely to be disruptive. In summary, the available evidence is currently insufficient to determine the role of this variant in disease. Therefore, it has been classified as a Variant of Uncertain Significance.

Blueprint Genetics
Classification: Uncertain significance. Last evaluated: 2024-11-22. Review status: criteria provided, single submitter. Criteria: ACMG Guidelines, 2015. Collection method: clinical testing. Allele origin: germline.

Ambry Genetics
Classification: Uncertain significance for Hereditary cancer-predisposing syndrome. Last evaluated: 2023-06-07. Review status: criteria provided, single submitter. Criteria: Ambry Variant Classification Scheme 2023. Collection method: clinical testing. Allele origin: germline.
Comment: The p.P1291L variant (also known as c.3872C>T), located in coding exon 19 of the BLM gene, results from a C to T substitution at nucleotide position 3872. The proline at codon 1291 is replaced by leucine, an amino acid with similar properties. This amino acid position is highly conserved in available vertebrate species. In addition, the in silico prediction for this alteration is inconclusive. Since supporting evidence is limited at this time, the clinical significance of this alteration remains unclear.

GeneDx
Classification: Uncertain significance. Last evaluated: 2023-05-31. Review status: criteria provided, single submitter. Criteria: GeneDx Variant Classification Process June 2021. Collection method: clinical testing. Allele origin: germline. Affected: yes.
Comment: Not observed at significant frequency in large population cohorts (gnomAD); In silico analysis supports that this missense variant has a deleterious effect on protein structure/function; Has not been previously published as pathogenic or benign to our knowledge

Natera, Inc.
Classification: Uncertain significance for Bloom syndrome. Last evaluated: 2020-09-16. Review status: no assertion criteria provided. Collection method: clinical testing. Allele origin: germline. Not counted in ClinVar's aggregate classification.

NM_000057.4(BLM):c.3872C>T (p.Pro1291Leu)

Gene: BLM (BLM RecQ like helicase; plus strand). Cytogenetic location: 15q26.1.
Variant type: single nucleotide variant.
Coding change: c.3872C>T on transcript NM_000057.4 (MANE Select); coding-DNA position 3872, C replaced by T.
Protein change: p.Pro1291Leu; replaces proline 1291 with leucine.
Molecular consequence: missense variant.
Genome position (GRCh38, 1-based): chr15:90,809,257, C>T. VCF-style: chr15-90809257-C-T. GRCh37 (hg19) VCF-style: chr15-91352487-C-T.
Other names: c.3872C>T, p.Pro1291Leu (NM_001287246.2); c.3479C>T, p.Pro1160Leu (NM_001287247.2); c.2747C>T, p.Pro916Leu (NM_001287248.2); short protein forms P1291L, P1160L, P916L.
Identifiers: ClinVar variation 524790 (VCV000524790.15), dbSNP rs373003917, ClinGen allele CA7739123.